The following is an entry in ClinVar:

NM_003579.4(RAD54L):c.6G>T (p.Arg2Ser)

Gene: RAD54L (RAD54 like; plus strand). Cytogenetic location: 1p34.1.
Variant type: single nucleotide variant.
Coding change: c.6G>T on transcript NM_003579.4 (MANE Select); coding-DNA position 6, G replaced by T.
Protein change: p.Arg2Ser; replaces arginine 2 with serine.
Molecular consequence: missense variant. On other transcripts: 5 prime UTR variant (1).
Genome position (GRCh38, 1-based): chr1:46,248,514, G>T. VCF-style: chr1-46248514-G-T. GRCh37 (hg19) VCF-style: chr1-46714186-G-T.
Other names: c.6G>T, p.Arg2Ser (NM_001142548.2); c.-535G>T (NM_001370766.1); short protein forms R2S.
Identifiers: ClinVar variation 1756624 (VCV001756624.2), dbSNP rs2525626452, ClinGen allele CA340173756.

ClinVar aggregate classification (germline): Uncertain significance (1 of 4 stars; one submission).

Submission:

Ambry Genetics
Classification: Uncertain significance. Last evaluated: 2022-01-15. Review status: criteria provided, single submitter. Criteria: Ambry Variant Classification Scheme 2023. Collection method: clinical testing. Allele origin: germline.
Comment: The p.R2S variant (also known as c.6G>T), located in coding exon 2 of the RAD54L gene, results from a G to T substitution at nucleotide position 6. The arginine at codon 2 is replaced by serine, an amino acid with dissimilar properties. This amino acid position is conserved. In addition, the in silico prediction for this alteration is inconclusive. Since supporting evidence is limited at this time, the clinical significance of this alteration remains unclear.